The following is an entry in ClinVar:

ClinVar aggregate classification (germline): Likely benign (1 of 4 stars; one submission).

Allele frequency attached by ClinVar (database versions not stated): TOPMed 0.00003; ExAC 0.00005; gnomAD 0.00005; gnomAD exomes 0.00005.
gnomAD v4.1: 82 of 1,612,030 alleles (0.0051%); highest among the groups gnomAD compares: East Asian, 0.038%; no homozygotes.

Submission:

CeGaT Center for Human Genetics Tuebingen
Classification: Likely benign. Last evaluated: 2022-10-01. Review status: criteria provided, single submitter. Criteria: CeGaT Center For Human Genetics Tuebingen Variant Classification Criteria Version 2. Collection method: clinical testing. Allele origin: germline. Affected: yes. Observed: 1 variant allele.
Comment: VARS1: BP4, BP7

NM_006295.3(VARS1):c.1998G>A (p.Ser666=)

Gene: VARS1 (valyl-tRNA synthetase 1; minus strand). Cytogenetic location: 6p21.33.
Variant type: single nucleotide variant.
Coding change: c.1998G>A on transcript NM_006295.3 (MANE Select); coding-DNA position 1998, G replaced by A.
Protein change: p.Ser666=; no amino-acid change (serine 666 retained).
Molecular consequence: synonymous variant.
Genome position (GRCh38, 1-based): chr6:31,782,437, C>T on the plus strand (G>A on the coding strand, the complement: VARS1 is on the minus strand). VCF-style: chr6-31782437-C-T. GRCh37 (hg19) VCF-style: chr6-31750214-C-T.
Identifiers: ClinVar variation 2656424 (VCV002656424.24), dbSNP rs765077498, ClinGen allele CA3723112.